The following is an entry in ClinVar:

NM_000264.5(PTCH1):c.403_406del (p.Gly134_Arg135insTer)

Gene: PTCH1 (patched 1; minus strand). Cytogenetic location: 9q22.32.
Variant type: Deletion.
Coding change: c.403_406del on transcript NM_000264.5 (MANE Select); coding-DNA positions 403 to 406, 4 bases deleted (CGAG; older notation c.403_406delCGAG).
Protein change: p.Gly134_Arg135insTer.
Molecular consequence: nonsense. On other transcripts: 5 prime UTR variant (4), non-coding transcript variant (1).
Genome position (GRCh38, 1-based): chr9:95,485,863-95,485,866, CTCG deleted on the plus strand (CGAG on the coding strand, the reverse complement: PTCH1 is on the minus strand). VCF-style (leftmost placement, unchanged base first): chr9-95485862-ACTCG-A. GRCh37 (hg19) VCF-style: chr9-98248144-ACTCG-A.
Other names: c.205_208del, p.Gly68_Arg69insTer (NM_001083602.3, NM_001354919.2); c.400_403del, p.Gly133_Arg134insTer (NM_001083603.3); c.-51_-48del (NM_001083604.3, NM_001083605.3, NM_001083606.3 and 1 more transcripts); c.403_406del, p.Gly134_Arg135insTer (NM_001354918.2).
Identifiers: ClinVar variation 2836930 (VCV002836930.3), dbSNP rs2538270047, ClinGen allele CA2739264839.
Genomic context (GRCh38, chr9:95,485,862, plus strand): 5'-TGAGGATTAAACATAGCCTCTTCTCCAATCTTCTGGCGAGTATAATTTAATTCACGACTT[ACTCG>A]TCCTCCAACTGACAAATATGTACAGGTTTAATTAGAATAGCAAAATCACTGCAAACTCAT-3'

ClinVar aggregate classification (germline): Pathogenic (1 of 4 stars; one submission).

Conditions:
Gorlin syndrome. Also called: Nevoid Basal Cell Carcinoma Syndrome; Basal cell nevus syndrome. Identifiers: Orphanet 377, MedGen C0004779, MONDO:0007187.

Submission:

Labcorp Genetics (formerly Invitae), Labcorp
Classification: Pathogenic for Gorlin syndrome. Last evaluated: 2023-02-14. Review status: criteria provided, single submitter. Criteria: Invitae Variant Classification Sherloc (09022015). Collection method: clinical testing. Allele origin: germline.
Comment: This sequence change creates a premature translational stop signal (p.Arg135*) in the PTCH1 gene. It is expected to result in an absent or disrupted protein product. Loss-of-function variants in PTCH1 are known to be pathogenic (PMID: 16301862, 16419085). This variant is not present in population databases (gnomAD no frequency). This premature translational stop signal has been observed in individual(s) with basal cell nevus syndrome (PMID: 8981943, 33441926). For these reasons, this variant has been classified as Pathogenic.

Literature cited by the submitters: PubMed 16301862; PubMed 16419085; PubMed 8981943; PubMed 33441926.